The following is an entry in ClinVar:

NC_000004.11:g.(?_186997774)_(187630981_?)del

Genes: CYP4V2 (cytochrome P450 family 4 subfamily V member 2; plus strand), F11 (coagulation factor XI; plus strand), FAM149A (family with sequence similarity 149 member A; plus strand), FAT1 (FAT atypical cadherin 1; minus strand), KLKB1 (kallikrein B1; plus strand) and 2 more. Cytogenetic location: 4q35.1-35.2.
Variant type: Deletion.
Identifiers: ClinVar variation 1070873 (VCV001070873.1).

ClinVar aggregate classification (germline): Pathogenic (1 of 4 stars; one submission).

Submission:

Labcorp Genetics (formerly Invitae), Labcorp
Classification: Pathogenic. Last evaluated: 2020-07-10. Review status: criteria provided, single submitter. Criteria: Invitae Variant Classification Sherloc (09022015). Collection method: clinical testing. Allele origin: germline.
Comment: A gross deletion of the genomic region encompassing the full coding sequence of the CYP4V2 gene has been identified. The boundaries of this event are unknown as the deletion extends beyond the assayed region for this gene and therefore may encompass additional genes. Isolated whole-gene deletions of CYP4V2 have not been reported in the literature. However, larger copy number events that include this gene have been reported (PMID: 25629076). Loss-of-function variants in CYP4V2 are known to be pathogenic (PMID: 15042513, 25118264). For these reasons, this variant has been classified as Pathogenic.

Literature cited by the submitters: PubMed 25629076; PubMed 15042513; PubMed 25118264.